The following is an entry in ClinVar:

NM_001374736.1(DST):c.1872T>G (p.Ser624=)

Gene: DST (dystonin; minus strand). Cytogenetic location: 6p12.1.
Variant type: single nucleotide variant.
Coding change: c.1872T>G on transcript NM_001374736.1 (MANE Select); coding-DNA position 1872, T replaced by G.
Protein change: p.Ser624=; no amino-acid change (serine 624 retained).
Molecular consequence: synonymous variant.
Genome position (GRCh38, 1-based): chr6:56,642,410, A>C on the plus strand (T>G on the coding strand, the complement: DST is on the minus strand). VCF-style: chr6-56642410-A-C. GRCh37 (hg19) VCF-style: chr6-56507208-A-C.
Other names: c.261T>G, p.Ser87= (NM_015548.5, NM_001723.7); c.1239T>G, p.Ser413= (NM_183380.4, NM_001374729.1, NM_001374730.1 and 1 more transcripts); c.1773T>G, p.Ser591= (NM_001144769.5); c.1359T>G, p.Ser453= (NM_001144770.2); c.1872T>G, p.Ser624= (NM_001374722.1); c.1899T>G, p.Ser633= (NM_001374734.1).
Identifiers: ClinVar variation 541439 (VCV000541439.15), dbSNP rs994026153, ClinGen allele CA139693243.
Genomic context (GRCh38, chr6:56,642,410, plus strand): 5'-TCATCCAAACGCACAGTGACTCCTCTACCACAACCCCAATGGCTCCTAAAATTAACTTAC[A>C]GACTGAAGAGCATTTCCAGCAAGAATCAGTTTGTCTTCACAGATGACACTGTCCCTCTGA-3'
Protein context (NP_001361665.1, residues 614-634): KLILAGNALQ[Ser624=]DSKRLESGVQ

ClinVar aggregate classification (germline): Conflicting classifications of pathogenicity. Review status: criteria provided, conflicting classifications (1 of 4 stars). 2 submissions from 2 submitters: Uncertain significance (1); Likely benign (1). Last evaluated 2023-08-30.

Conditions:
Inborn genetic diseases. Identifiers: MedGen C0950123, MeSH D030342.
Hereditary sensory and autonomic neuropathy type 6. Also called: HSAN VI; Neuropathy, hereditary sensory and autonomic, type VI. Identifiers: Orphanet 314381, MedGen C3539003, MONDO:0013839, OMIM 614653.
Epidermolysis bullosa simplex 3, localized or generalized intermediate, with BP230 deficiency (EBS3). Also called: Epidermolysis bullosa simplex, autosomal recessive 2; Epidermolysis bullosa simplex due to BP230 deficiency. Identifiers: Orphanet 412181, MedGen C3809470, MONDO:0014180, OMIM 615425.

Allele frequency attached by ClinVar (database versions not stated): TOPMed below 0.00001; gnomAD 0.00001; gnomAD exomes 0.00001 and 0.00002.
gnomAD v4.1: 10 of 1,608,730 alleles (0.00062%); highest among the groups gnomAD compares: Non-Finnish European, 0.00017%; no homozygotes.

Submissions (2):

Labcorp Genetics (formerly Invitae), Labcorp
Classification: Uncertain significance for Epidermolysis bullosa simplex 3, localized or generalized intermediate, with BP230 deficiency; Hereditary sensory and autonomic neuropathy type 6. Last evaluated: 2023-08-30. Review status: criteria provided, single submitter. Criteria: Invitae Variant Classification Sherloc (09022015). Collection method: clinical testing. Allele origin: germline.
Comment: This sequence change affects codon 87 of the DST mRNA. It is a 'silent' change, meaning that it does not change the encoded amino acid sequence of the DST protein. It affects a nucleotide within the consensus splice site. This variant is present in population databases (no rsID available, gnomAD 0.04%). This variant has not been reported in the literature in individuals affected with DST-related conditions. ClinVar contains an entry for this variant (Variation ID: 541439). Algorithms developed to predict the effect of sequence changes on RNA splicing suggest that this variant is not likely to affect RNA splicing. In summary, the available evidence is currently insufficient to determine the role of this variant in disease. Therefore, it has been classified as a Variant of Uncertain Significance.

Ambry Genetics
Classification: Likely benign for Inborn genetic diseases. Last evaluated: 2021-03-12. Review status: criteria provided, single submitter. Criteria: Ambry Variant Classification Scheme 2023. Collection method: clinical testing. Allele origin: germline.